The following is an entry in ClinVar:

NM_004517.4(ILK):c.1270C>G (p.Leu424Val)

Genes: ILK (integrin linked kinase; plus strand), TAF10 (TATA-box binding protein associated factor 10; minus strand). Cytogenetic location: 11p15.4.
Variant type: single nucleotide variant.
Coding change: c.1270C>G on transcript NM_004517.4 (MANE Select); coding-DNA position 1270, C replaced by G.
Protein change: p.Leu424Val; replaces leucine 424 with valine.
Molecular consequence: missense variant. On other transcripts: 3 prime UTR variant (1).
Genome position (GRCh38, 1-based): chr11:6,610,522, C>G. VCF-style: chr11-6610522-C-G. GRCh37 (hg19) VCF-style: chr11-6631753-C-G.
Other names: c.1270C>G, p.Leu424Val (NM_001014794.3, NM_001014795.3); c.1087C>G, p.Leu363Val (NM_001278441.2); c.868C>G, p.Leu290Val (NM_001278442.2); c.*400G>C (NM_006284.4); short protein forms L290V, L363V, L424V.
Identifiers: ClinVar variation 1391455 (VCV001391455.6), dbSNP rs2134576590, ClinGen allele CA379468123.

ClinVar aggregate classification (germline): Uncertain significance (1 of 4 stars; one submission).

Conditions:
Primary familial hypertrophic cardiomyopathy (HCM). Identifiers: Orphanet 99739, MedGen C0949658, MeSH D024741, MONDO:0024573. Inheritance: Various modes of inheritance.

Submission:

Labcorp Genetics (formerly Invitae), Labcorp
Classification: Uncertain significance for Primary familial hypertrophic cardiomyopathy. Last evaluated: 2021-11-05. Review status: criteria provided, single submitter. Criteria: Invitae Variant Classification Sherloc (09022015). Collection method: clinical testing. Allele origin: germline.
Comment: Algorithms developed to predict the effect of sequence changes on RNA splicing suggest that this variant may create or strengthen a splice site. Algorithms developed to predict the effect of missense changes on protein structure and function are either unavailable or do not agree on the potential impact of this missense change (SIFT: "Deleterious"; PolyPhen-2: "Possibly Damaging"; Align-GVGD: "Class C0"). This variant has not been reported in the literature in individuals affected with ILK-related conditions. This variant is not present in population databases (gnomAD no frequency). This sequence change replaces leucine, which is neutral and non-polar, with valine, which is neutral and non-polar, at codon 424 of the ILK protein (p.Leu424Val). In summary, the available evidence is currently insufficient to determine the role of this variant in disease. Therefore, it has been classified as a Variant of Uncertain Significance.